The following is an entry in ClinVar:

NM_016333.4(SRRM2):c.7443A>G (p.Ala2481=)

Gene: SRRM2 (serine/arginine repetitive matrix 2; plus strand). Cytogenetic location: 16p13.3.
Variant type: single nucleotide variant.
Coding change: c.7443A>G on transcript NM_016333.4 (MANE Select); coding-DNA position 7443, A replaced by G.
Protein change: p.Ala2481=; no amino-acid change (alanine 2481 retained).
Molecular consequence: synonymous variant.
Genome position (GRCh38, 1-based): chr16:2,767,971, A>G. VCF-style: chr16-2767971-A-G. GRCh37 (hg19) VCF-style: chr16-2817972-A-G.
Identifiers: ClinVar variation 4084992 (VCV004084992.8).

ClinVar aggregate classification (germline): Likely benign (1 of 4 stars; one submission).

gnomAD v4.1: 99 of 1,613,906 alleles (0.0061%); highest among the groups gnomAD compares: East Asian, 0.016%; no homozygotes.

Submission:

CeGaT Center for Human Genetics Tuebingen
Classification: Likely benign. Last evaluated: 2025-08-01. Review status: criteria provided, single submitter. Criteria: CeGaT Center For Human Genetics Tuebingen Variant Classification Criteria Version 2. Collection method: clinical testing. Allele origin: germline. Affected: yes. Observed: 1 variant allele.
Comment: SRRM2: BP4, BP7